The following is an entry in ClinVar:

NM_172362.3(KCNH1):c.277A>G (p.Asn93Asp)

Gene: KCNH1 (potassium voltage-gated channel subfamily H member 1; minus strand). Cytogenetic location: 1q32.2.
Variant type: single nucleotide variant.
Coding change: c.277A>G on transcript NM_172362.3 (MANE Select); coding-DNA position 277, A replaced by G.
Protein change: p.Asn93Asp; replaces asparagine 93 with aspartic acid.
Molecular consequence: missense variant.
Genome position (GRCh38, 1-based): chr1:211,103,529, T>C on the plus strand (A>G on the coding strand, the complement: KCNH1 is on the minus strand). VCF-style: chr1-211103529-T-C. GRCh37 (hg19) VCF-style: chr1-211276871-T-C.
Other names: c.277A>G, p.Asn93Asp (NM_002238.4); short protein forms N93D.
Identifiers: ClinVar variation 3633744 (VCV003633744.2).

ClinVar aggregate classification (germline): Uncertain significance (1 of 4 stars; one submission).

Submission:

Labcorp Genetics (formerly Invitae), Labcorp
Classification: Uncertain significance. Last evaluated: 2024-10-16. Review status: criteria provided, single submitter. Criteria: Invitae Variant Classification Sherloc (09022015). Collection method: clinical testing. Allele origin: germline.
Comment: This sequence change replaces asparagine, which is neutral and polar, with aspartic acid, which is acidic and polar, at codon 93 of the KCNH1 protein (p.Asn93Asp). This variant is not present in population databases (gnomAD no frequency). This variant has not been reported in the literature in individuals affected with KCNH1-related conditions. Invitae Evidence Modeling of protein sequence and biophysical properties (such as structural, functional, and spatial information, amino acid conservation, physicochemical variation, residue mobility, and thermodynamic stability) has been performed for this missense variant. However, the output from this modeling did not meet the statistical confidence thresholds required to predict the impact of this variant on KCNH1 protein function. In summary, the available evidence is currently insufficient to determine the role of this variant in disease. Therefore, it has been classified as a Variant of Uncertain Significance.